The following is an entry in ClinVar:

NM_001318852.2(MAPK8IP3):c.1764T>A (p.Pro588=)

Gene: MAPK8IP3 (mitogen-activated protein kinase 8 interacting protein 3; plus strand). Cytogenetic location: 16p13.3.
Variant type: single nucleotide variant.
Coding change: c.1764T>A on transcript NM_001318852.2 (MANE Select); coding-DNA position 1764, T replaced by A.
Protein change: p.Pro588=; no amino-acid change (proline 588 retained).
Molecular consequence: synonymous variant.
Genome position (GRCh38, 1-based): chr16:1,762,872, T>A. VCF-style: chr16-1762872-T-A. GRCh37 (hg19) VCF-style: chr16-1812873-T-A.
Other names: c.1743T>A, p.Pro581= (NM_001040439.2); c.1761T>A, p.Pro587= (NM_015133.5).
Identifiers: ClinVar variation 3341786 (VCV003341786.16).

ClinVar aggregate classification (germline): Likely benign (1 of 4 stars; one submission).

Submission:

CeGaT Center for Human Genetics Tuebingen
Classification: Likely benign. Last evaluated: 2024-08-01. Review status: criteria provided, single submitter. Criteria: CeGaT Center For Human Genetics Tuebingen Variant Classification Criteria Version 2. Collection method: clinical testing. Allele origin: germline. Affected: yes. Observed: 1 variant allele.
Comment: MAPK8IP3: PM2:Supporting, BP4, BP7